The following is an entry in ClinVar:

NM_003628.6(PKP4):c.2612A>G (p.Glu871Gly)

Genes: PKP4 (plakophilin 4; plus strand), PKP4-AS1 (PKP4 antisense RNA 1; minus strand). Cytogenetic location: 2q24.1.
Variant type: single nucleotide variant.
Coding change: c.2612A>G on transcript NM_003628.6 (MANE Select); coding-DNA position 2612, A replaced by G.
Protein change: p.Glu871Gly; replaces glutamic acid 871 with glycine.
Molecular consequence: missense variant.
Genome position (GRCh38, 1-based): chr2:158,666,447, A>G. VCF-style: chr2-158666447-A-G. GRCh37 (hg19) VCF-style: chr2-159522959-A-G.
Other names: c.2612A>G, p.Glu871Gly (NM_001005476.4, NM_001304971.2, NM_001377218.1 and 1 more transcripts); c.2609A>G, p.Glu870Gly (NM_001304969.3, NM_001377219.1, NM_001377220.1 and 2 more transcripts); c.1583A>G, p.Glu528Gly (NM_001304970.3); c.2606A>G, p.Glu869Gly (NM_001377222.1, NM_001377223.1); c.2603A>G, p.Glu868Gly (NM_001377224.1); short protein forms E868G, E870G, E528G, E871G, E869G.
Identifiers: ClinVar variation 2448033 (VCV002448033.2), dbSNP rs145804900, ClinGen allele CA1921051.
Genomic context (GRCh38, chr2:158,666,447, plus strand): 5'-ACTTCCTGCCTTATTTTTCTCACTAGTTTGCAGCATATATCCGGGCGGCCGTCCGAAAAG[A>G]AAAGGGGCTCCCCATCCTTGTGGAGCTTCTGAGAATGGATAACGATAGAGTTGTTTCTTC-3'
Protein context (NP_003619.2, residues 861-881): AAYIRAAVRK[Glu871Gly]KGLPILVELL

ClinVar aggregate classification (germline): Uncertain significance (1 of 4 stars; one submission).

Allele frequency attached by ClinVar (database versions not stated): gnomAD 0.00001; TOPMed 0.00001; gnomAD exomes 0.00002; ExAC 0.00006; 1000 Genomes Project 30x 0.00016; 1000 Genomes Project 0.00020.
gnomAD v4.1: 14 of 1,608,554 alleles (0.00087%); highest among the groups gnomAD compares: Admixed American, 0.024%; no homozygotes.

Submission:

Ambry Genetics
Classification: Uncertain significance. Last evaluated: 2023-02-16. Review status: criteria provided, single submitter. Criteria: Ambry Variant Classification Scheme 2023. Collection method: clinical testing. Allele origin: germline.
Comment: The p.E871G variant (also known as c.2612A>G), located in coding exon 15 of the PKP4 gene, results from an A to G substitution at nucleotide position 2612. The glutamic acid at codon 871 is replaced by glycine, an amino acid with similar properties. This amino acid position is conserved. In addition, the in silico prediction for this alteration is inconclusive. Since supporting evidence is limited at this time, the clinical significance of this alteration remains unclear.